The following is an entry in ClinVar:

NM_000245.4(MET):c.2290G>A (p.Gly764Arg)

Gene: MET (MET proto-oncogene, receptor tyrosine kinase; plus strand). Cytogenetic location: 7q31.2.
Variant type: single nucleotide variant.
Coding change: c.2290G>A on transcript NM_000245.4 (MANE Select); coding-DNA position 2290, G replaced by A.
Protein change: p.Gly764Arg; replaces glycine 764 with arginine.
Molecular consequence: missense variant.
Genome position (GRCh38, 1-based): chr7:116,759,416, G>A. VCF-style: chr7-116759416-G-A. GRCh37 (hg19) VCF-style: chr7-116399470-G-A.
Other names: c.2344G>A, p.Gly782Arg (NM_001127500.3); c.2290G>A, p.Gly764Arg (NM_001324401.3); c.1000G>A, p.Gly334Arg (NM_001324402.2); short protein forms G764R, G782R, G334R.
Identifiers: ClinVar variation 4648238 (VCV004648238.1).

ClinVar aggregate classification (germline): Uncertain significance (1 of 4 stars; one submission).

Conditions:
Hereditary cancer-predisposing syndrome. Also called: Neoplastic Syndromes, Hereditary; Tumor predisposition; Hereditary Cancer Syndrome; Hereditary neoplastic syndrome. Identifiers: Orphanet 140162, MedGen C0027672, MeSH D009386, MONDO:0015356.

Submission:

Ambry Genetics
Classification: Uncertain significance for Hereditary cancer-predisposing syndrome. Last evaluated: 2025-12-03. Review status: criteria provided, single submitter. Criteria: Ambry Variant Classification Scheme 2023. Collection method: clinical testing. Allele origin: germline.
Comment: The p.G782R variant (also known as c.2344G>A), located in coding exon 9 of the MET gene, results from a G to A substitution at nucleotide position 2344. The glycine at codon 782 is replaced by arginine, an amino acid with dissimilar properties. This amino acid position is highly conserved in available vertebrate species. In addition, this alteration is predicted to be deleterious by in silico analysis. Based on the available evidence, the clinical significance of this variant remains unclear.